The following is an entry in ClinVar:

NM_001101.5(ACTB):c.515C>G (p.Pro172Arg)

Gene: ACTB (actin beta; minus strand). Cytogenetic location: 7p22.1.
Variant type: single nucleotide variant.
Coding change: c.515C>G on transcript NM_001101.5 (MANE Select); coding-DNA position 515, C replaced by G.
Protein change: p.Pro172Arg; replaces proline 172 with arginine.
Molecular consequence: missense variant.
Genome position (GRCh38, 1-based): chr7:5,528,568, G>C on the plus strand (C>G on the coding strand, the complement: ACTB is on the minus strand). VCF-style: chr7-5528568-G-C. GRCh37 (hg19) VCF-style: chr7-5568199-G-C.
Other names: short protein forms P172R.
Identifiers: ClinVar variation 2812809 (VCV002812809.3), dbSNP rs2533847756, ClinGen allele CA366703171.

ClinVar aggregate classification (germline): Uncertain significance (1 of 4 stars; one submission).

Conditions:
Baraitser-Winter syndrome 1 (BRWS1). Also called: PACHYGYRIA, MENTAL RETARDATION, EPILEPSY, AND CHARACTERISTIC FACIES; MENTAL RETARDATION WITH EPILEPSY AND CHARACTERISTIC FACIES; Cerebrofrontofacial syndrome; BARAITSER-WINTER SYNDROME 1, ATYPICAL. Identifiers: Orphanet 2649, Orphanet 2995, MedGen C1855722, MONDO:0009470, OMIM 243310.

Submission:

Labcorp Genetics (formerly Invitae), Labcorp
Classification: Uncertain significance for Baraitser-Winter syndrome 1. Last evaluated: 2022-11-09. Review status: criteria provided, single submitter. Criteria: Invitae Variant Classification Sherloc (09022015). Collection method: clinical testing. Allele origin: germline.
Comment: In summary, the available evidence is currently insufficient to determine the role of this variant in disease. Therefore, it has been classified as a Variant of Uncertain Significance. Advanced modeling of protein sequence and biophysical properties (such as structural, functional, and spatial information, amino acid conservation, physicochemical variation, residue mobility, and thermodynamic stability) performed at Invitae indicates that this missense variant is not expected to disrupt ACTB protein function. This variant has not been reported in the literature in individuals affected with ACTB-related conditions. This variant is not present in population databases (gnomAD no frequency). This sequence change replaces proline, which is neutral and non-polar, with arginine, which is basic and polar, at codon 172 of the ACTB protein (p.Pro172Arg).